The following is an entry in ClinVar:

NM_003001.5(SDHC):c.339C>T (p.Ile113=)

Gene: SDHC (succinate dehydrogenase complex subunit C; plus strand). Cytogenetic location: 1q23.3.
Variant type: single nucleotide variant.
Coding change: c.339C>T on transcript NM_003001.5 (MANE Select); coding-DNA position 339, C replaced by T.
Protein change: p.Ile113=; no amino-acid change (isoleucine 113 retained).
Molecular consequence: synonymous variant. On other transcripts: non-coding transcript variant (1), intron variant (3).
Genome position (GRCh38, 1-based): chr1:161,356,774, C>T. VCF-style: chr1-161356774-C-T. GRCh37 (hg19) VCF-style: chr1-161326564-C-T.
Other names: c.237C>T, p.Ile79= (NM_001035512.3); c.180C>T, p.Ile60= (NM_001035513.3); c.459C>T, p.Ile153= (NM_001407115.1); c.282C>T, p.Ile94= (NM_001407116.1); c.276C>T, p.Ile92= (NM_001407117.1); c.231C>T, p.Ile77= (NM_001407118.1); c.228C>T, p.Ile76= (NM_001407119.1, NM_001407120.1); c.242-5555C>T (NM_001035511.3); and 2 more.
Identifiers: ClinVar variation 823723 (VCV000823723.14), dbSNP rs1047677628, ClinGen allele CA31433513.

ClinVar aggregate classification (germline): Conflicting classifications of pathogenicity. Review status: criteria provided, conflicting classifications (1 of 4 stars). 5 submissions from 5 submitters: Uncertain significance (1); Benign (1); Likely benign (3). Last evaluated 2025-03-14.

Conditions:
Hereditary cancer-predisposing syndrome. Also called: Neoplastic Syndromes, Hereditary; Tumor predisposition; Hereditary Cancer Syndrome; Hereditary neoplastic syndrome. Identifiers: Orphanet 140162, MedGen C0027672, MeSH D009386, MONDO:0015356.
Pheochromocytoma/paraganglioma syndrome 3. Also called: GLOMUS TUMORS, FAMILIAL, 3; Paragangliomas 3; SDHC-Related Hereditary Paraganglioma-Pheochromocytoma Syndrome (Paragangliomas 3); SDHC-Related Hereditary Paraganglioma-Pheochromocytoma Syndrome. Identifiers: Orphanet 29072, MedGen C1854336, MONDO:0011544, OMIM 605373.
Gastrointestinal stromal tumor. Also called: Gastrointestinal stromal tumor, somatic; Gastrointestinal stroma tumor. Identifiers: Orphanet 44890, MedGen C0238198, MeSH D046152, MONDO:0011719, OMIM 606764, HP:0100723.

Allele frequency attached by ClinVar (database versions not stated): gnomAD exomes below 0.00001; gnomAD 0.00001; TOPMed 0.00001.
gnomAD v4.1: 4 of 1,613,966 alleles (0.00025%); highest among the groups gnomAD compares: African/African-American, 0.004%; no homozygotes.

Submissions (5):

Myriad Genetics, Inc.
Classification: Benign for Pheochromocytoma/paraganglioma syndrome 3. Last evaluated: 2025-03-14. Review status: criteria provided, single submitter. Criteria: Myriad Autosomal Dominant, Autosomal Recessive and X-Linked Classification Criteria (2023). Collection method: clinical testing. Allele origin: unknown.
Comment: This variant is considered benign. This variant is a silent/synonymous amino acid change and it is not expected to impact splicing.

Labcorp Genetics (formerly Invitae), Labcorp
Classification: Likely benign for Pheochromocytoma/paraganglioma syndrome 3; Gastrointestinal stromal tumor. Last evaluated: 2024-12-20. Review status: criteria provided, single submitter. Criteria: Invitae Variant Classification Sherloc (09022015). Collection method: clinical testing. Allele origin: germline.

GeneDx
Classification: Uncertain significance. Last evaluated: 2023-10-11. Review status: criteria provided, single submitter. Criteria: GeneDx Variant Classification Process June 2021. Collection method: clinical testing. Allele origin: germline. Affected: yes.
Comment: Not observed at significant frequency in large population cohorts (gnomAD); In silico analysis supports that this variant does not alter splicing; Has not been previously published as pathogenic or benign to our knowledge

Sema4
Classification: Likely benign for Hereditary cancer-predisposing syndrome. Last evaluated: 2021-02-04. Review status: criteria provided, single submitter. Criteria: Sema4 Curation Guidelines. Collection method: curation. Allele origin: germline.

Ambry Genetics
Classification: Likely benign for Hereditary cancer-predisposing syndrome. Last evaluated: 2019-09-19. Review status: criteria provided, single submitter. Criteria: Ambry Variant Classification Scheme 2023. Collection method: clinical testing. Allele origin: germline.